The following is an entry in ClinVar:

ClinVar aggregate classification (germline): Uncertain significance (1 of 4 stars; one submission).

gnomAD v4.1: 35 of 1,614,066 alleles (0.0022%); highest among the groups gnomAD compares: African/African-American, 0.039%; no homozygotes.

Submission:

GeneDx
Classification: Uncertain significance. Last evaluated: 2024-06-06. Review status: criteria provided, single submitter. Criteria: GeneDx Variant Classification Process June 2021. Collection method: clinical testing. Allele origin: germline. Affected: yes.
Comment: In silico analysis indicates that this missense variant does not alter protein structure/function; Has not been previously published as pathogenic or benign to our knowledge

NM_018060.4(IARS2):c.2171G>A (p.Ser724Asn)

Gene: IARS2 (isoleucyl-tRNA synthetase 2, mitochondrial; plus strand). Cytogenetic location: 1q41.
Variant type: single nucleotide variant.
Coding change: c.2171G>A on transcript NM_018060.4 (MANE Select); coding-DNA position 2171, G replaced by A.
Protein change: p.Ser724Asn; replaces serine 724 with asparagine.
Molecular consequence: missense variant.
Genome position (GRCh38, 1-based): chr1:220,138,039, G>A. VCF-style: chr1-220138039-G-A. GRCh37 (hg19) VCF-style: chr1-220311381-G-A.
Other names: short protein forms S724N.
Identifiers: ClinVar variation 3384235 (VCV003384235.1).
Genomic context (GRCh38, chr1:220,138,039, plus strand): 5'-ATGTCTTCACCGAAGTTGCAATTGGCCCATCCGTGCTCAATGCTGCCAGAGATGATATTA[G>A]CAAGGTTAGAACTATTATTCTTCCTATTTCTAAAGGACAAGTTTGTCAAATCATTGTTTT-3'
Protein context (NP_060530.3, residues 714-734): SVLNAARDDI[Ser724Asn]KLRNTLRFLL